The following is an entry in ClinVar:

ClinVar aggregate classification (germline): Uncertain significance. Review status: criteria provided, multiple submitters, no conflicts (2 of 4 stars). 2 submissions from 2 submitters: Uncertain significance (2). Last evaluated 2025-04-18.

Conditions:
Inborn genetic diseases. Identifiers: MedGen C0950123, MeSH D030342.
Cortisone reductase deficiency 1 (CORTRD1). Identifiers: Orphanet 168588, MedGen C3551716, MONDO:0011503, OMIM 604931.

Allele frequency attached by ClinVar (database versions not stated): 1000 Genomes Project 0.00020; ExAC 0.00006; gnomAD exomes 0.00008; ESP Exome Variant Server 0.00015; 1000 Genomes Project 30x 0.00016; TOPMed 0.00008; gnomAD 0.00009.
gnomAD v4.1: 97 of 1,614,206 alleles (0.006%); highest among the groups gnomAD compares: South Asian, 0.014%; no homozygotes.

Submissions (2):

Ambry Genetics
Classification: Uncertain significance for Inborn genetic diseases. Last evaluated: 2025-04-18. Review status: criteria provided, single submitter. Criteria: Ambry Variant Classification Scheme 2023. Collection method: clinical testing. Allele origin: germline.

Baylor Genetics
Classification: Uncertain significance for Cortisone reductase deficiency 1. Last evaluated: 2019-12-16. Review status: criteria provided, single submitter. Criteria: ACMG Guidelines, 2015. Collection method: clinical testing. Allele origin: unknown. Affected: yes.
Comment: This variant was determined to be of uncertain significance according to ACMG Guidelines, 2015 [PMID:25741868].

NM_004285.4(H6PD):c.1109G>A (p.Arg370Gln)

Gene: H6PD (hexose-6-phosphate dehydrogenase/glucose 1-dehydrogenase; plus strand). Cytogenetic location: 1p36.22.
Variant type: single nucleotide variant.
Coding change: c.1109G>A on transcript NM_004285.4 (MANE Select); coding-DNA position 1109, G replaced by A.
Protein change: p.Arg370Gln; replaces arginine 370 with glutamine.
Molecular consequence: missense variant.
Genome position (GRCh38, 1-based): chr1:9,263,602, G>A. VCF-style: chr1-9263602-G-A. GRCh37 (hg19) VCF-style: chr1-9323661-G-A.
Other names: c.1142G>A, p.Arg381Gln (NM_001282587.2); short protein forms R381Q, R370Q.
Identifiers: ClinVar variation 1030761 (VCV001030761.5), dbSNP rs182877860, ClinGen allele CA575204.